The following is an entry in ClinVar:

NM_001040108.2(MLH3):c.3774T>C (p.Thr1258=)

Gene: MLH3 (mutL homolog 3; minus strand). Cytogenetic location: 14q24.3.
Variant type: single nucleotide variant.
Coding change: c.3774T>C on transcript NM_001040108.2 (MANE Select); coding-DNA position 3774, T replaced by C.
Protein change: p.Thr1258=; no amino-acid change (threonine 1258 retained).
Molecular consequence: synonymous variant.
Genome position (GRCh38, 1-based): chr14:75,032,121, A>G on the plus strand (T>C on the coding strand, the complement: MLH3 is on the minus strand). VCF-style: chr14-75032121-A-G. GRCh37 (hg19) VCF-style: chr14-75498824-A-G.
Other names: c.3702T>C, p.Thr1234= (NM_014381.3).
Identifiers: ClinVar variation 1734784 (VCV001734784.3), dbSNP rs1189981271, ClinGen allele CA487176012.

ClinVar aggregate classification (germline): Benign/Likely benign. Review status: criteria provided, multiple submitters, no conflicts (2 of 4 stars). 2 submissions from 2 submitters: Benign (1); Likely benign (1). Last evaluated 2026-05-06.

Conditions:
Colorectal cancer, hereditary nonpolyposis, type 7. Identifiers: Orphanet 144, MedGen C1858380, MONDO:0013725, OMIM 614385.

Allele frequency attached by ClinVar (database versions not stated): gnomAD exomes below 0.00001; gnomAD 0.00001.

Submissions (2):

Myriad Genetics, Inc.
Classification: Benign for Colorectal cancer, hereditary nonpolyposis, type 7. Last evaluated: 2026-05-06. Review status: criteria provided, single submitter. Criteria: Myriad Autosomal Dominant, Autosomal Recessive and X-Linked Classification Criteria (2023). Collection method: clinical testing. Allele origin: unknown.
Comment: This variant is considered benign. This variant is a silent/synonymous amino acid change and it is not expected to impact splicing.

Ambry Genetics
Classification: Likely benign. Last evaluated: 2019-11-14. Review status: criteria provided, single submitter. Criteria: Ambry Variant Classification Scheme 2023. Collection method: clinical testing. Allele origin: germline.